The following is an entry in ClinVar:

NM_000038.6(APC):c.8488dup (p.Ser2830fs)

Gene: APC (APC regulator of Wnt signaling pathway; plus strand). Cytogenetic location: 5q22.2.
Variant type: Duplication.
Coding change: c.8488dup on transcript NM_000038.6 (MANE Select); coding-DNA position 8488, one base duplicated (A; older notation c.8488dupA).
Protein change: p.Ser2830fs; shifts the reading frame from serine 2830.
Molecular consequence: frameshift variant. On other transcripts: non-coding transcript variant (2).
Genome position (GRCh38, 1-based): chr5:112,844,082, A duplicated; the last of 3 consecutive A bases (chr5:112,844,080-112,844,082); duplicating any one gives the same sequence. VCF-style (leftmost placement, unchanged base first): chr5-112844079-C-CA. GRCh37 (hg19) VCF-style: chr5-112179776-C-CA.
Other names: NM_000038.6(APC):c.8488dup; p.Ser2830fs; c.8488dupA (NM_000038.5); c.8488dup, p.Ser2830fs (NM_001127510.3, NM_001354895.2, NM_001407450.1); c.8434dup, p.Ser2812fs (NM_001127511.3); c.8542dup, p.Ser2848fs (NM_001354896.2, NM_001407447.1, NM_001407448.1 and 1 more transcripts); c.8518dup, p.Ser2840fs (NM_001354897.2); c.8413dup, p.Ser2805fs (NM_001354898.2); and 14 more; short protein forms S2547fs, S2701fs, S2802fs, S2812fs, S2840fs, S2670fs, S2830fs, S2446fs.
Identifiers: ClinVar variation 2773776 (VCV002773776.3), dbSNP rs2533871675, ClinGen allele CA2697546419.
Genomic context (GRCh38, chr5:112,844,079, plus strand): 5'-GTGAATAACAACACAAAGAAGCGAGATTCCAAAACTGACAGCACAGAATCCAGTGGAACC[C>CA]AAAGTCCTAAGCGCCATTCTGGGTCTTACCTTGTGACATCTGTTTAAAAGAGAGGAAGAA-3'

ClinVar aggregate classification (germline): Uncertain significance. Review status: reviewed by expert panel (3 of 4 stars). 3 submissions from 3 submitters: Uncertain significance (1). 2 of the submissions do not count toward it. Last evaluated 2025-05-19.

Conditions:
Classic or attenuated familial adenomatous polyposis. Identifiers: MedGen CN372698, MONDO:0021057.
Hereditary cancer-predisposing syndrome. Also called: Hereditary neoplastic syndrome; Hereditary Cancer Syndrome; Neoplastic Syndromes, Hereditary; Tumor predisposition. Identifiers: Orphanet 140162, MedGen C0027672, MeSH D009386, MONDO:0015356.

Submissions (3):

ClinGen InSiGHT Hereditary Colorectal Cancer/Polyposis Variant Curation Expert Panel
Classification: Uncertain significance for Classic or attenuated familial adenomatous polyposis. Last evaluated: 2025-05-19. Review status: reviewed by expert panel. Criteria: ClinGen InSiGHT HCCP VCEP ACMG Specifications APC V1. Collection method: curation. Allele origin: germline. Inheritance: Autosomal dominant inheritance.
Comment: The NM_000038.6(APC):c.8488dup (p.Ser2830fs*3) variant in APC is a frameshift variant located downstream of codon 2645, therefore PVS1 is not applicable based on the ACMG/AMP criteria specified by the ClinGen InSiGHT Hereditary Colorectal Cancer/Polyposis VCEP (HCCP VCEP). This variant is absent from gnomAD v2.1.1 (PM2_Supporting). The variant has been reported in one individual without a colorectal cancer/polyposis associated phenotype not meeting criteria for BS2 (BS2 not met; Ambry internal data). In summary, this variant is a variant of uncertain significance (VUS) for autosomal-dominant inherited FAP based on the ACMG/AMP criteria applied, as specified by the HCCP VCEP: criteria PM2_Supporting applied (VCEP specifications version v2.1.0; date of approval 11/24/2023).

Color Diagnostics, LLC DBA Color Health
Classification: Uncertain significance for Hereditary cancer-predisposing syndrome. Last evaluated: 2023-01-09. Review status: criteria provided, single submitter. Criteria: ACMG Guidelines, 2015. Collection method: clinical testing. Allele origin: germline. Not counted in ClinVar's aggregate classification.
Comment: This variant inserts 1 nucleotide in exon 16 of the APC gene, creating a frameshift and premature translation stop signal. This variant is expected to result in the loss of 12 carboxy-terminal amino acids, however functional studies on this variant have not been reported. To our knowledge, this variant has not been reported in individuals affected with APC-related disorders in the literature. This variant has not been identified in the general population by the Genome Aggregation Database (gnomAD). Loss of APC function is a known mechanism of disease. The available evidence is insufficient to determine the role of this variant in disease conclusively. Therefore, this variant is classified as a Variant of Uncertain Significance.

Ambry Genetics
Classification: Likely pathogenic for Hereditary cancer-predisposing syndrome. Last evaluated: 2022-12-08. Review status: criteria provided, single submitter. Criteria: Ambry Variant Classification Scheme 2023. Collection method: clinical testing. Allele origin: germline. Not counted in ClinVar's aggregate classification.
Comment: The c.8488dupA variant, located in coding exon 15 of the APC gene, results from a duplication of A at nucleotide position 8488, causing a translational frameshift with a predicted alternate stop codon (p.S2830Kfs*3). This alteration occurs at the 3' terminus of theAPC gene, is not expected to trigger nonsense-mediated mRNA decay, and only impacts the last 14 amino acids of the protein. However, premature stop codons are typically deleterious in nature and the impacted region is critical for protein function (Ambry internal data). This variant is considered to be rare based on population cohorts in the Genome Aggregation Database (gnomAD). Based on the majority of available evidence to date, this variant is likely to be pathogenic.